The following is an entry in ClinVar:

ClinVar aggregate classification (germline): Uncertain significance (1 of 4 stars; one submission).

Conditions:
LAMA2-related muscular dystrophy (LAMA2-RD). Also called: Laminin alpha 2-related dystrophy. Identifiers: MedGen C5679788, MONDO:0100228.

Allele frequency attached by ClinVar (database versions not stated): gnomAD exomes below 0.00001.
gnomAD v4.1: 1 of 1,614,054 alleles (0.000062%); highest among the groups gnomAD compares: East Asian, 0.0022%; no homozygotes.

Submission:

Labcorp Genetics (formerly Invitae), Labcorp
Classification: Uncertain significance for LAMA2-related muscular dystrophy. Last evaluated: 2021-09-24. Review status: criteria provided, single submitter. Criteria: Invitae Variant Classification Sherloc (09022015). Collection method: clinical testing. Allele origin: germline.
Comment: This sequence change replaces glycine with arginine at codon 2762 of the LAMA2 protein (p.Gly2762Arg). The glycine residue is moderately conserved and there is a moderate physicochemical difference between glycine and arginine. This variant is not present in population databases (ExAC no frequency). This variant has not been reported in the literature in individuals with LAMA2-related conditions. Advanced modeling of protein sequence and biophysical properties (such as structural, functional, and spatial information, amino acid conservation, physicochemical variation, residue mobility, and thermodynamic stability) performed at Invitae indicates that this missense variant is not expected to disrupt LAMA2 protein function. In summary, the available evidence is currently insufficient to determine the role of this variant in disease. Therefore, it has been classified as a Variant of Uncertain Significance.

NM_000426.4(LAMA2):c.8284G>C (p.Gly2762Arg)

Genes: LAMA2 (laminin subunit alpha 2; plus strand), LOC126859784 (CDK7 strongly-dependent group 2 enhancer GRCh37_chr6:129822854-129824053; plus strand). Cytogenetic location: 6q22.33.
Variant type: single nucleotide variant.
Coding change: c.8284G>C on transcript NM_000426.4 (MANE Select); coding-DNA position 8284, G replaced by C.
Protein change: p.Gly2762Arg; replaces glycine 2762 with arginine.
Molecular consequence: missense variant.
Genome position (GRCh38, 1-based): chr6:129,502,698, G>C. VCF-style: chr6-129502698-G-C. GRCh37 (hg19) VCF-style: chr6-129823843-G-C.
Other names: c.8272G>C, p.Gly2758Arg (NM_001079823.2); short protein forms G2762R, G2758R.
Identifiers: ClinVar variation 2153857 (VCV002153857.1), dbSNP rs2533535207, ClinGen allele CA365633714.